The following is an entry in ClinVar:

NM_182948.4(PRKACB):c.188-4120G>A

Gene: PRKACB (protein kinase cAMP-activated catalytic subunit beta; plus strand). Cytogenetic location: 1p31.1.
Variant type: single nucleotide variant.
Coding change: c.188-4120G>A on transcript NM_182948.4 (MANE Select); 4120 bases into the intron before coding-DNA position 188, G replaced by A.
Molecular consequence: intron variant. On other transcripts: splice donor variant (18).
Genome position (GRCh38, 1-based): chr1:84,175,057, G>A. VCF-style: chr1-84175057-G-A. GRCh37 (hg19) VCF-style: chr1-84640740-G-A.
Other names: c.47-4120G>A (NM_002731.4, NM_001375576.1, NM_207578.3); c.188-4120G>A (NM_001300916.2); c.58+1G>A (NM_001242857.3, NM_001242859.3, NM_001375581.1 and 2 more transcripts); c.34+1G>A (NM_001375562.1, NM_001375563.1); c.11-4120G>A (NM_001242858.3, NM_001375578.1, NM_001300917.2); c.55+1G>A (NM_001242860.3, NM_001375560.1, NM_001242861.3 and 4 more transcripts); c.31+1G>A (NM_001375561.1, NM_001375564.1, NM_001375574.1 and 1 more transcripts); c.8-4120G>A (NM_001375565.1, NM_001375579.1, NM_001375580.1).
Identifiers: ClinVar variation 3350906 (VCV003350906.1).

ClinVar aggregate classification (germline): Uncertain significance (0 of 4 stars; one submission).

Conditions:
PRKACB-related disorder. Also called: PRKACB-related condition.

gnomAD v4.1: 1 of 1,456,784 alleles (0.000069%); highest among the groups gnomAD compares: Non-Finnish European, 0.00009%; no homozygotes.

Submission:

PreventionGenetics, part of Exact Sciences
Classification: Uncertain significance for PRKACB-related condition. Last evaluated: 2024-07-19. Review status: no assertion criteria provided. Collection method: clinical testing. Allele origin: germline.
Comment: The PRKACB c.55+1G>A variant is predicted to disrupt the GT donor site and interfere with normal splicing. In the more commonly reported transcript (NM_182948.3), this variant is intronic (c.188-4120G>A). To our knowledge, this variant has not been reported in the literature or in a large population database, indicating this variant is rare. At this time, the clinical significance of this variant is uncertain due to the absence of conclusive functional and genetic evidence.